The following is an entry in ClinVar:

NM_001018005.2(TPM1):c.104G>A (p.Arg35Lys)

Gene: TPM1 (tropomyosin 1; plus strand). Cytogenetic location: 15q22.2.
Variant type: single nucleotide variant.
Coding change: c.104G>A on transcript NM_001018005.2 (MANE Select); coding-DNA position 104, G replaced by A.
Protein change: p.Arg35Lys; replaces arginine 35 with lysine.
Molecular consequence: missense variant.
Genome position (GRCh38, 1-based): chr15:63,042,933, G>A. VCF-style: chr15-63042933-G-A. GRCh37 (hg19) VCF-style: chr15-63335132-G-A.
Other names: c.104G>A, p.Arg35Lys (NM_000366.6, NM_001018004.2, NM_001018006.2 and 7 more transcripts); short protein forms R35K.
Identifiers: ClinVar variation 630593 (VCV000630593.10), dbSNP rs730881152, ClinGen allele CA272020239.
Genomic context (GRCh38, chr15:63,042,933, plus strand): 5'-AGGAGAACGCCTTGGATCGAGCTGAGCAGGCGGAGGCCGACAAGAAGGCGGCGGAAGACA[G>A]GAGCAAGCAGGTCTGCGCCTCCCCGGCCCTGCGCCCGCGCCCAGAGCGCCGGGACTCGAG-3'
Protein context (NP_001018005.1, residues 25-45): AEADKKAAED[Arg35Lys]SKQLEDELVS

ClinVar aggregate classification (germline): Uncertain significance. Review status: criteria provided, multiple submitters, no conflicts (2 of 4 stars). 2 submissions from 2 submitters: Uncertain significance (2). Last evaluated 2023-12-05.

Conditions:
Cardiomyopathy (CMYO). Also called: Cardiomyopathies. Identifiers: Orphanet 167848, MedGen C0878544, MONDO:0004994, HP:0001638. Inheritance: Various modes of inheritance.
Hypertrophic cardiomyopathy. Also called: HYPERTROPHIC MYOCARDIOPATHY. Identifiers: Orphanet 217569, MedGen C0007194, MeSH D002312, MONDO:0005045, HP:0001639.

Allele frequency attached by ClinVar (database versions not stated): gnomAD exomes below 0.00001.
gnomAD v4.1: 1 of 1,599,964 alleles (0.000063%); highest among the groups gnomAD compares: Non-Finnish European, 0.000085%; no homozygotes.

Submissions (2):

Color Diagnostics, LLC DBA Color Health
Classification: Uncertain significance for Cardiomyopathy. Last evaluated: 2023-12-05. Review status: criteria provided, single submitter. Criteria: ACMG Guidelines, 2015. Collection method: clinical testing. Allele origin: germline.
Comment: This missense variant replaces arginine with lysine at codon 35 of the TPM1 protein. Computational prediction tools and conservation analyses suggest that this variant may not impact the protein function. Computational splicing tools suggest that this variant may not impact RNA splicing. To our knowledge, functional assays have not been performed for this variant nor has this variant been reported in individuals affected with cardiovascular disorders in the literature. This variant has not been identified in the general population by the Genome Aggregation Database (gnomAD). Available evidence is insufficient to determine the role of this variant in disease conclusively. Therefore, this variant is classified as a Variant of Uncertain Significance.

Labcorp Genetics (formerly Invitae), Labcorp
Classification: Uncertain significance for Hypertrophic cardiomyopathy. Last evaluated: 2021-10-18. Review status: criteria provided, single submitter. Criteria: Invitae Variant Classification Sherloc (09022015). Collection method: clinical testing. Allele origin: germline.
Comment: In summary, the available evidence is currently insufficient to determine the role of this variant in disease. Therefore, it has been classified as a Variant of Uncertain Significance. Algorithms developed to predict the effect of missense changes on protein structure and function (SIFT, PolyPhen-2, Align-GVGD) all suggest that this variant is likely to be tolerated. ClinVar contains an entry for this variant (Variation ID: 630593). This variant has not been reported in the literature in individuals affected with TPM1-related conditions. This variant is not present in population databases (ExAC no frequency). This sequence change replaces arginine with lysine at codon 35 of the TPM1 protein (p.Arg35Lys). The arginine residue is highly conserved and there is a small physicochemical difference between arginine and lysine.